The following is an entry in ClinVar:

ClinVar aggregate classification (germline): Uncertain significance. Review status: criteria provided, multiple submitters, no conflicts (2 of 4 stars). 2 submissions from 2 submitters: Uncertain significance (2). Last evaluated 2024-09-11.

Allele frequency attached by ClinVar (database versions not stated): gnomAD exomes below 0.00001.
gnomAD v4.1: 1 of 1,614,072 alleles (0.000062%); highest among the groups gnomAD compares: Admixed American, 0.0017%; no homozygotes.

Submissions (2):

Ambry Genetics
Classification: Uncertain significance. Last evaluated: 2024-09-11. Review status: criteria provided, single submitter. Criteria: Ambry Variant Classification Scheme 2023. Collection method: clinical testing. Allele origin: germline.

Labcorp Genetics (formerly Invitae), Labcorp
Classification: Uncertain significance. Last evaluated: 2023-06-16. Review status: criteria provided, single submitter. Criteria: Invitae Variant Classification Sherloc (09022015). Collection method: clinical testing. Allele origin: germline.
Comment: This sequence change replaces tryptophan, which is neutral and slightly polar, with cysteine, which is neutral and slightly polar, at codon 870 of the TAOK2 protein (p.Trp870Cys). This variant is not present in population databases (gnomAD no frequency). In summary, the available evidence is currently insufficient to determine the role of this variant in disease. Therefore, it has been classified as a Variant of Uncertain Significance. An algorithm developed to predict the effect of missense changes on protein structure and function (PolyPhen-2) suggests that this variant is likely to be disruptive. This variant has not been reported in the literature in individuals affected with TAOK2-related conditions.

NM_016151.4(TAOK2):c.2610G>C (p.Trp870Cys)

Gene: TAOK2 (TAO kinase 2; plus strand). Cytogenetic location: 16p11.2.
Variant type: single nucleotide variant.
Coding change: c.2610G>C on transcript NM_016151.4 (MANE Select); coding-DNA position 2610, G replaced by C.
Protein change: p.Trp870Cys; replaces tryptophan 870 with cysteine.
Molecular consequence: missense variant. On other transcripts: intron variant (1).
Genome position (GRCh38, 1-based): chr16:29,986,882, G>C. VCF-style: chr16-29986882-G-C. GRCh37 (hg19) VCF-style: chr16-29998203-G-C.
Other names: c.2610G>C (NM_016151.2); c.2271G>C, p.Trp757Cys (NM_001252043.2); c.2232+378G>C (NM_004783.4); short protein forms W757C, W870C.
Identifiers: ClinVar variation 2896932 (VCV002896932.4), dbSNP rs2543665361, ClinGen allele CA395493169.